The following is an entry in ClinVar:

NM_016111.4(TELO2):c.1531G>A (p.Ala511Thr)

Gene: TELO2 (telomere maintenance 2; plus strand). Cytogenetic location: 16p13.3.
Variant type: single nucleotide variant.
Coding change: c.1531G>A on transcript NM_016111.4 (MANE Select); coding-DNA position 1531, G replaced by A.
Protein change: p.Ala511Thr; replaces alanine 511 with threonine.
Molecular consequence: missense variant.
Genome position (GRCh38, 1-based): chr16:1,502,105, G>A. VCF-style: chr16-1502105-G-A. GRCh37 (hg19) VCF-style: chr16-1552106-G-A.
Other names: c.1531G>A, p.Ala511Thr (NM_001351846.2); short protein forms A511T.
Identifiers: ClinVar variation 4753205 (VCV004753205.1).
Genomic context (GRCh38, chr16:1,502,105, plus strand): 5'-AGCGATGATGAGTTTGTCCCCTACGACATGTCGGGGGACAGAGAGCTGAAGAGCAGCAAG[G>A]CTCCTGCCTACGTCCGGGACTGCGTGGAAGGTGGGCACGGGCCCCTGGAGGGCCTTGCTG-3'
Protein context (NP_057195.2, residues 501-521): SGDRELKSSK[Ala511Thr]PAYVRDCVEA

ClinVar aggregate classification (germline): Uncertain significance (1 of 4 stars; one submission).

gnomAD v4.1: 2 of 1,612,984 alleles (0.00012%); highest among the groups gnomAD compares: East Asian, 0.0022%; no homozygotes.

Submission:

Labcorp Genetics (formerly Invitae), Labcorp
Classification: Uncertain significance. Last evaluated: 2025-07-14. Review status: criteria provided, single submitter. Criteria: Invitae Variant Classification Sherloc (09022015). Collection method: clinical testing. Allele origin: germline.
Comment: This sequence change replaces alanine, which is neutral and non-polar, with threonine, which is neutral and polar, at codon 511 of the TELO2 protein (p.Ala511Thr). This variant is present in population databases (no rsID available, gnomAD 0.06%). This variant has not been reported in the literature in individuals affected with TELO2-related conditions. Invitae Evidence Modeling of protein sequence and biophysical properties (such as structural, functional, and spatial information, amino acid conservation, physicochemical variation, residue mobility, and thermodynamic stability) indicates that this missense variant is not expected to disrupt TELO2 protein function with a negative predictive value of 95%. In summary, the available evidence is currently insufficient to determine the role of this variant in disease. Therefore, it has been classified as a Variant of Uncertain Significance.